The following is an entry in ClinVar:

ClinVar aggregate classification (germline): Pathogenic. Review status: criteria provided, multiple submitters, no conflicts (2 of 4 stars). 4 submissions from 4 submitters: Pathogenic (3). 1 of the submissions does not count toward it. Last evaluated 2025-05-13.

Conditions:
Primary ciliary dyskinesia 11. Also called: CILIARY DYSKINESIA, PRIMARY, 11, WITHOUT SITUS INVERSUS. Identifiers: Orphanet 244, MedGen C2675229, MONDO:0012978, OMIM 612649.
Primary ciliary dyskinesia. Also called: Ciliary dyskinesia. Identifiers: Orphanet 244, MedGen C0008780, MONDO:0016575, HP:0012265.

Allele frequency attached by ClinVar (database versions not stated): TOPMed 0.00001; ExAC 0.00002; gnomAD 0.00002; gnomAD exomes 0.00002.
gnomAD v4.1: 16 of 1,613,922 alleles (0.00099%); highest among the groups gnomAD compares: Admixed American, 0.0083%; no homozygotes.

Submissions (4):

GeneDx
Classification: Pathogenic. Last evaluated: 2025-05-13. Review status: criteria provided, single submitter. Criteria: GeneDx Variant Classification Process June 2021. Collection method: clinical testing. Allele origin: germline. Affected: yes.
Comment: Nonsense variant predicted to result in protein truncation or nonsense mediated decay in a gene for which loss of function is a known mechanism of disease; This variant is associated with the following publications: (PMID: 33447612, 25789548, 28543983, 35728977)

Labcorp Genetics (formerly Invitae), Labcorp
Classification: Pathogenic for Primary ciliary dyskinesia. Last evaluated: 2017-07-07. Review status: criteria provided, single submitter. Criteria: Invitae Variant Classification Sherloc (09022015). Collection method: clinical testing. Allele origin: germline.
Comment: For these reasons, this variant has been classified as Pathogenic. Loss-of-function variants in RSPH4A are known to be pathogenic (PMID: 19200523). This variant has been reported in an individual affected with primary ciliary dyskinesia (PMID: 25789548). This variant is present in population databases (rs755782051, ExAC 0.02%). This sequence change creates a premature translational stop signal (p.Arg465*) in the RSPH4A gene. It is expected to result in an absent or disrupted protein product.

Juno Genomics, Hangzhou Juno Genomics, Inc
Classification: Pathogenic for Primary ciliary dyskinesia 11. Review status: criteria provided, single submitter. Criteria: ACMG Guidelines, 2015. Collection method: clinical testing. Allele origin: germline.
Comment: Absent from controls (or at extremely low frequency if recessive) in Genome Aggregation Database.;Null variant in a gene where loss of function (LOF) is a known mechanism of disease.;For recessive disorders, detected in trans with a pathogenic variant.

Department of Pathology and Laboratory Medicine, Sinai Health System
Classification: Pathogenic. Review status: no assertion criteria provided. Collection method: clinical testing. Allele origin: unknown. Affected: yes. Study: The Canadian Open Genetics Repository (COGR). Not counted in ClinVar's aggregate classification.
Comment: The RSPH4A p.R465* variant was identified in the literature as a homozygous variant in 1 of 16 families with Primary ciliary dyskinesia (PCD) (Frommer_2015_PMID:25789548). The variant was identified in dbSNP (ID: rs755782051) and ClinVar (classified as pathogenic by Invitae). The variant was identified in control databases in 6 of 251300 chromosomes at a frequency of 0.00002388 (Genome Aggregation Database March 6, 2019, v2.1.1). The variant was observed in the following populations: Latino in 5 of 34586 chromosomes (freq: 0.000145) and European (non-Finnish) in 1 of 113666 chromosomes (freq: 0.000009), but was not observed in the African, Ashkenazi Jewish, East Asian, European (Finnish), Other, or South Asian populations. The c.1393C>T variant leads to a premature stop codon at position 465 which is predicted to lead to a truncated or absent protein and loss of function. Loss of function variants of the RSPH4A gene are an established mechanism of disease in PCD and are the type of variant expected to cause the disorder when found in the homozygous or compound heterozygous state. The variant occurs outside of the splicing consensus sequence and two of four in silico or computational prediction software programs (SpliceSiteFinder, MaxEntScan, NNSPLICE, GeneSplicer) predict a greater than 10% difference in splicing. In summary, based on the above information this variant meets our laboratoryâ€šÃ„Ã´s criteria to be classified as pathogenic.

Literature cited by the submitters: PubMed 19200523 (cited by Labcorp Genetics (formerly Invitae), Labcorp); PubMed 25789548 (cited by Labcorp Genetics (formerly Invitae), Labcorp).

NM_001010892.3(RSPH4A):c.1393C>T (p.Arg465Ter)

Gene: RSPH4A (radial spoke head component 4A; plus strand). Cytogenetic location: 6q22.1.
Variant type: single nucleotide variant.
Coding change: c.1393C>T on transcript NM_001010892.3 (MANE Select); coding-DNA position 1393, C replaced by T.
Protein change: p.Arg465Ter; replaces arginine 465 with a stop codon.
Molecular consequence: nonsense.
Genome position (GRCh38, 1-based): chr6:116,628,100, C>T. VCF-style: chr6-116628100-C-T. GRCh37 (hg19) VCF-style: chr6-116949263-C-T.
Other names: c.1393C>T, p.Arg465Ter (NM_001161664.2); short protein forms R465*.
Identifiers: ClinVar variation 577068 (VCV000577068.13), dbSNP rs755782051, ClinGen allele CA3970938.